The following is an entry in ClinVar:

ClinVar aggregate classification (germline): Uncertain significance (1 of 4 stars; one submission).

Conditions:
Inborn genetic diseases. Identifiers: MedGen C0950123, MeSH D030342.

gnomAD v4.1: 1 of 1,613,530 alleles (0.000062%); highest among the groups gnomAD compares: South Asian, 0.0011%; no homozygotes.

Submission:

Ambry Genetics
Classification: Uncertain significance for Inborn genetic diseases. Last evaluated: 2025-06-28. Review status: criteria provided, single submitter. Criteria: Ambry Variant Classification Scheme 2023. Collection method: clinical testing. Allele origin: germline.
Comment: The p.I492V variant (also known as c.1474A>G), located in coding exon 9 of the FANCM gene, results from an A to G substitution at nucleotide position 1474. The isoleucine at codon 492 is replaced by valine, an amino acid with highly similar properties. This amino acid position is conserved. In addition, this alteration is predicted to be tolerated by in silico analysis. Based on the available evidence, the clinical significance of this variant remains unclear.

NM_020937.4(FANCM):c.1474A>G (p.Ile492Val)

Gene: FANCM (FA complementation group M; plus strand). Cytogenetic location: 14q21.2.
Variant type: single nucleotide variant.
Coding change: c.1474A>G on transcript NM_020937.4 (MANE Select); coding-DNA position 1474, A replaced by G.
Protein change: p.Ile492Val; replaces isoleucine 492 with valine.
Molecular consequence: missense variant.
Genome position (GRCh38, 1-based): chr14:45,159,173, A>G. VCF-style: chr14-45159173-A-G. GRCh37 (hg19) VCF-style: chr14-45628376-A-G.
Other names: c.1396A>G, p.Ile466Val (NM_001308133.2); c.1474A>G, p.Ile492Val (NM_001308134.2); short protein forms I492V, I466V.
Identifiers: ClinVar variation 4254550 (VCV004254550.1).